The following is an entry in ClinVar:

NM_012233.3(RAB3GAP1):c.297A>G (p.Gln99=)

Gene: RAB3GAP1 (RAB3 GTPase activating protein catalytic subunit 1; plus strand). Cytogenetic location: 2q21.3.
Variant type: single nucleotide variant.
Coding change: c.297A>G on transcript NM_012233.3 (MANE Select); coding-DNA position 297, A replaced by G.
Protein change: p.Gln99=; no amino-acid change (glutamine 99 retained).
Molecular consequence: synonymous variant.
Genome position (GRCh38, 1-based): chr2:135,093,628, A>G. VCF-style: chr2-135093628-A-G. GRCh37 (hg19) VCF-style: chr2-135851198-A-G.
Other names: c.297A>G, p.Gln99= (NM_001172435.2).
Identifiers: ClinVar variation 2063188 (VCV002063188.1), dbSNP rs200902906, ClinGen allele CA1884491.

ClinVar aggregate classification (germline): Uncertain significance (1 of 4 stars; one submission).

Allele frequency attached by ClinVar (database versions not stated): ExAC 0.00003; gnomAD 0.00005; gnomAD exomes 0.00005; TOPMed 0.00006; ESP Exome Variant Server 0.00008.
gnomAD v4.1: 77 of 1,613,336 alleles (0.0048%); highest among the groups gnomAD compares: Middle Eastern, 0.033%; no homozygotes.

Submission:

Labcorp Genetics (formerly Invitae), Labcorp
Classification: Uncertain significance. Last evaluated: 2022-05-31. Review status: criteria provided, single submitter. Criteria: Invitae Variant Classification Sherloc (09022015). Collection method: clinical testing. Allele origin: germline.
Comment: This sequence change affects codon 99 of the RAB3GAP1 mRNA. It is a 'silent' change, meaning that it does not change the encoded amino acid sequence of the RAB3GAP1 protein. This variant is present in population databases (rs200902906, gnomAD 0.01%). This variant has not been reported in the literature in individuals affected with RAB3GAP1-related conditions. Algorithms developed to predict the effect of sequence changes on RNA splicing suggest that this variant is not likely to affect RNA splicing. In summary, the available evidence is currently insufficient to determine the role of this variant in disease. Therefore, it has been classified as a Variant of Uncertain Significance.